The following is an entry in ClinVar:

ClinVar aggregate classification (germline): Uncertain significance. Review status: criteria provided, single submitter (1 of 4 stars). 2 submissions from 2 submitters: Uncertain significance (1). 1 of the submissions does not count toward it. Last evaluated 2022-04-29.

Conditions:
Cohen syndrome (COH1). Also called: Cutis verticis gyrata, retinitis pigmentosa, and sensorineural deafness; PEPPER SYNDROME. Identifiers: Orphanet 193, MedGen C0265223, MONDO:0008999, OMIM 216550.

Allele frequency attached by ClinVar (database versions not stated): gnomAD exomes below 0.00001.
gnomAD v4.1: 1 of 1,613,840 alleles (0.000062%); highest among the groups gnomAD compares: East Asian, 0.0022%; no homozygotes.

Submissions (2):

Labcorp Genetics (formerly Invitae), Labcorp
Classification: Uncertain significance for Cohen syndrome. Last evaluated: 2022-04-29. Review status: criteria provided, single submitter. Criteria: Invitae Variant Classification Sherloc (09022015). Collection method: clinical testing. Allele origin: germline.
Comment: In summary, the available evidence is currently insufficient to determine the role of this variant in disease. Therefore, it has been classified as a Variant of Uncertain Significance. Algorithms developed to predict the effect of missense changes on protein structure and function are either unavailable or do not agree on the potential impact of this missense change (SIFT: "Not Available"; PolyPhen-2: "Possibly Damaging"; Align-GVGD: "Not Available"). This variant has not been reported in the literature in individuals affected with VPS13B-related conditions. This variant is not present in population databases (gnomAD no frequency). This sequence change replaces proline, which is neutral and non-polar, with arginine, which is basic and polar, at codon 3613 of the VPS13B protein (p.Pro3613Arg).

Natera, Inc.
Classification: Uncertain significance for Cohen syndrome. Last evaluated: 2025-05-05. Review status: no assertion criteria provided. Collection method: clinical testing. Allele origin: germline. Not counted in ClinVar's aggregate classification.

NM_152564.5(VPS13B):c.10763C>G (p.Pro3588Arg)

Gene: VPS13B (vacuolar protein sorting 13 homolog B; plus strand). Cytogenetic location: 8q22.2.
Variant type: single nucleotide variant.
Coding change: c.10763C>G on transcript NM_152564.5 (MANE Select); coding-DNA position 10763, C replaced by G.
Protein change: p.Pro3588Arg; replaces proline 3588 with arginine.
Molecular consequence: missense variant.
Genome position (GRCh38, 1-based): chr8:99,854,152, C>G. VCF-style: chr8-99854152-C-G. GRCh37 (hg19) VCF-style: chr8-100866380-C-G.
Other names: c.10838C>G, p.Pro3613Arg (NM_017890.5); short protein forms P3588R, P3613R.
Identifiers: ClinVar variation 1953446 (VCV001953446.6), dbSNP rs2492240660, ClinGen allele CA371785886.
Genomic context (GRCh38, chr8:99,854,152, plus strand): 5'-TAAATTTGCTCGTCAGCATCCACGCTTCCCTCAAGCTGTACATAGCCTCAGACCACACTC[C>G]TCTCTCCTTCTCGGTGTTTGAAAGAGGACCCATCTTCACCACTGCGAGGCAGCTTGTGCA-3'
Protein context (NP_689777.3, residues 3578-3598): LKLYIASDHT[Pro3588Arg]LSFSVFERGP